The following is an entry in ClinVar:

ClinVar aggregate classification (germline): Likely benign. Review status: criteria provided, multiple submitters, no conflicts (2 of 4 stars). 3 submissions from 3 submitters: Likely benign (2). 1 of the submissions does not count toward it. Last evaluated 2026-01-12.

Conditions:
AVPR2-related disorder. Also called: AVPR2-related condition.

Allele frequency attached by ClinVar (database versions not stated): gnomAD exomes 0.00007 and 0.00016; ExAC 0.00020; gnomAD 0.00051 and 0.00053; 1000 Genomes Project 0.00053; TOPMed 0.00055; 1000 Genomes Project 30x 0.00062; ESP Exome Variant Server 0.00066.
gnomAD v4.1: 132 of 1,210,174 alleles (0.011%); highest among the groups gnomAD compares: African/African-American, 0.17%; no homozygotes.

Submissions (3):

Labcorp Genetics (formerly Invitae), Labcorp
Classification: Likely benign. Last evaluated: 2026-01-12. Review status: criteria provided, single submitter. Criteria: Invitae Variant Classification Sherloc (09022015). Collection method: clinical testing. Allele origin: germline.

Mayo Clinic Laboratories, Mayo Clinic
Classification: Likely benign. Last evaluated: 2025-03-12. Review status: criteria provided, single submitter. Criteria: ACMG Guidelines, 2015. Collection method: clinical testing. Allele origin: germline. Observed: 1 variant allele.
Comment: BS1, BP2

PreventionGenetics, part of Exact Sciences
Classification: Likely benign for AVPR2-related condition. Last evaluated: 2020-12-28. Review status: no assertion criteria provided. Collection method: clinical testing. Allele origin: germline. Not counted in ClinVar's aggregate classification.
Comment: This variant is classified as likely benign based on ACMG/AMP sequence variant interpretation guidelines (Richards et al. 2015 PMID: 25741868, with internal and published modifications).

NM_000054.7(AVPR2):c.542G>A (p.Arg181His)

Gene: AVPR2 (arginine vasopressin receptor 2; plus strand). Cytogenetic location: Xq28.
Variant type: single nucleotide variant.
Coding change: c.542G>A on transcript NM_000054.7 (MANE Select); coding-DNA position 542, G replaced by A.
Protein change: p.Arg181His; replaces arginine 181 with histidine.
Molecular consequence: missense variant. On other transcripts: non-coding transcript variant (1).
Genome position (GRCh38, 1-based): chrX:153,906,048, G>A. VCF-style: chrX-153906048-G-A. GRCh37 (hg19) VCF-style: chrX-153171502-G-A.
Other names: p.Arg181His; c.542G>A, p.Arg181His (NM_001146151.3); c.542G>A (NM_000054.6); short protein forms R181H.
Identifiers: ClinVar variation 722450 (VCV000722450.12), dbSNP rs141876414, ClinGen allele CA10555025.